The following is an entry in ClinVar:

NM_024675.4(PALB2):c.1628A>G (p.Lys543Arg)

Gene: PALB2 (partner and localizer of BRCA2; minus strand). Cytogenetic location: 16p12.2.
Variant type: single nucleotide variant.
Coding change: c.1628A>G on transcript NM_024675.4 (MANE Select); coding-DNA position 1628, A replaced by G.
Protein change: p.Lys543Arg; replaces lysine 543 with arginine.
Molecular consequence: missense variant.
Genome position (GRCh38, 1-based): chr16:23,634,918, T>C on the plus strand (A>G on the coding strand, the complement: PALB2 is on the minus strand). VCF-style: chr16-23634918-T-C. GRCh37 (hg19) VCF-style: chr16-23646239-T-C.
Other names: short protein forms K543R.
Identifiers: ClinVar variation 530201 (VCV000530201.17), dbSNP rs370468259, ClinGen allele CA279498066.

ClinVar aggregate classification (germline): Uncertain significance. Review status: criteria provided, multiple submitters, no conflicts (2 of 4 stars). 3 submissions from 3 submitters: Uncertain significance (3). Last evaluated 2025-11-05.

Conditions:
Hereditary cancer-predisposing syndrome. Also called: Hereditary neoplastic syndrome; Neoplastic Syndromes, Hereditary; Hereditary Cancer Syndrome; Tumor predisposition. Identifiers: Orphanet 140162, MedGen C0027672, MeSH D009386, MONDO:0015356.
Familial cancer of breast. Also called: BREAST CANCER, FAMILIAL; Hereditary breast cancer; hereditary breast carcinoma. Identifiers: Orphanet 227535, MedGen C0346153, MONDO:0016419, OMIM 114480. Disease mechanism: loss of function.

Allele frequency attached by ClinVar (database versions not stated): ESP Exome Variant Server 0.00008.

Submissions (3):

Labcorp Genetics (formerly Invitae), Labcorp
Classification: Uncertain significance for Familial cancer of breast. Last evaluated: 2025-11-05. Review status: criteria provided, single submitter. Criteria: Invitae Variant Classification Sherloc (09022015). Collection method: clinical testing. Allele origin: germline.
Comment: This sequence change replaces lysine, which is basic and polar, with arginine, which is basic and polar, at codon 543 of the PALB2 protein (p.Lys543Arg). This variant is not present in population databases (gnomAD no frequency). This variant has not been reported in the literature in individuals affected with PALB2-related conditions. ClinVar contains an entry for this variant (Variation ID: 530201). Invitae Evidence Modeling of protein sequence and biophysical properties (such as structural, functional, and spatial information, amino acid conservation, physicochemical variation, residue mobility, and thermodynamic stability) indicates that this missense variant is not expected to disrupt PALB2 protein function with a negative predictive value of 80%. In summary, the available evidence is currently insufficient to determine the role of this variant in disease. Therefore, it has been classified as a Variant of Uncertain Significance.

Ambry Genetics
Classification: Uncertain significance for Hereditary cancer-predisposing syndrome. Last evaluated: 2024-12-12. Review status: criteria provided, single submitter. Criteria: Ambry Variant Classification Scheme 2023. Collection method: clinical testing. Allele origin: germline.
Comment: The p.K543R variant (also known as c.1628A>G), located in coding exon 4 of the PALB2 gene, results from an A to G substitution at nucleotide position 1628. The lysine at codon 543 is replaced by arginine, an amino acid with highly similar properties. This amino acid position is well conserved in available vertebrate species. In addition, this alteration is predicted to be tolerated by in silico analysis. Since supporting evidence is limited at this time, the clinical significance of this alteration remains unclear.

GeneDx
Classification: Uncertain significance. Last evaluated: 2023-04-17. Review status: criteria provided, single submitter. Criteria: GeneDx Variant Classification Process June 2021. Collection method: clinical testing. Allele origin: germline. Affected: yes.
Comment: Not observed at significant frequency in large population cohorts (gnomAD); In silico analysis supports that this missense variant does not alter protein structure/function; Has not been previously published as pathogenic or benign to our knowledge